The following is an entry in ClinVar:

NM_000540.3(RYR1):c.4082dup (p.Gln1362fs)

Gene: RYR1 (ryanodine receptor 1; plus strand). Cytogenetic location: 19q13.2.
Variant type: Duplication.
Coding change: c.4082dup on transcript NM_000540.3 (MANE Select); coding-DNA position 4082, one base duplicated (C; older notation c.4082dupC).
Protein change: p.Gln1362fs; shifts the reading frame from glutamine 1362.
Molecular consequence: frameshift variant.
Genome position (GRCh38, 1-based): chr19:38,473,693, C duplicated; the last of 4 consecutive C bases (chr19:38,473,690-38,473,693); duplicating any one gives the same sequence. VCF-style (leftmost placement, unchanged base first): chr19-38473689-A-AC. GRCh37 (hg19) VCF-style: chr19-38964329-A-AC.
Other names: c.4082dup, p.Gln1362fs (NM_001042723.2); c.4082dupC (NM_000540.2); short protein forms Q1362fs.
Identifiers: ClinVar variation 659367 (VCV000659367.6), dbSNP rs1600731073, ClinGen allele CA915952988.

ClinVar aggregate classification (germline): Pathogenic (1 of 4 stars; one submission).

Conditions:
RYR1-related disorder. Also called: RYR1-related disorders; RYR1-related condition. Identifiers: MedGen CN239331.

Submission:

Labcorp Genetics (formerly Invitae), Labcorp
Classification: Pathogenic for RYR1-related disorder. Last evaluated: 2022-11-07. Review status: criteria provided, single submitter. Criteria: Invitae Variant Classification Sherloc (09022015). Collection method: clinical testing. Allele origin: germline.
Comment: This sequence change creates a premature translational stop signal (p.Gln1362Alafs*14) in the RYR1 gene. It is expected to result in an absent or disrupted protein product. Loss-of-function variants in RYR1 are known to be pathogenic (PMID: 20583297, 20839240, 23919265, 28818389). For these reasons, this variant has been classified as Pathogenic. ClinVar contains an entry for this variant (Variation ID: 659367). This variant has not been reported in the literature in individuals affected with RYR1-related conditions. This variant is not present in population databases (gnomAD no frequency).

Literature cited by the submitters: PubMed 20583297; PubMed 20839240; PubMed 23919265; PubMed 28818389.